The following is an entry in ClinVar:

NM_000390.4(CHM):c.919A>T (p.Lys307Ter)

Gene: CHM (CHM Rab escort protein; minus strand). Cytogenetic location: Xq21.2.
Variant type: single nucleotide variant.
Coding change: c.919A>T on transcript NM_000390.4 (MANE Select); coding-DNA position 919, A replaced by T.
Protein change: p.Lys307Ter; replaces lysine 307 with a stop codon.
Molecular consequence: nonsense.
Genome position (GRCh38, 1-based): chrX:85,957,876, T>A on the plus strand (A>T on the coding strand, the complement: CHM is on the minus strand). VCF-style: chrX-85957876-T-A. GRCh37 (hg19) VCF-style: chrX-85212881-T-A.
Other names: c.475A>T, p.Lys159Ter (NM_001320959.1, NM_001362517.1, NM_001362518.2 and 1 more transcripts); short protein forms K159*, K307*.
Identifiers: ClinVar variation 4292384 (VCV004292384.1).
Genomic context (GRCh38, chrX:85,957,876, plus strand): 5'-GTCAAATAATTGGAGAGCACTACTTAATGAAAAAAATACCTTTATATTCATCAGGATATT[T>A]CTCATATTCCATACAAAATGTAAGAAATTTCATTAGCATTCGCTTTTCTACCATAGTAAG-3'

ClinVar aggregate classification (germline): Likely pathogenic (1 of 4 stars; one submission).

Conditions:
Choroideremia. Also called: Chorioretinal scalloped atrophy. Identifiers: Orphanet 180, MedGen C0008525, MONDO:0010557, OMIM 303100, HP:0001139.

Submission:

3billion
Classification: Likely pathogenic for Choroideremia. Last evaluated: 2024-11-18. Review status: criteria provided, single submitter. Criteria: ACMG Guidelines, 2015. Collection method: clinical testing. Allele origin: germline. Affected: yes.
Comment: The variant is not observed in the gnomAD v4.1.0 dataset. Predicted Consequence/Location: Stop-gained (nonsense): predicted to result in a loss or disruption of normal protein function through nonsense-mediated decay (NMD) or protein truncation. Multiple pathogenic variants are reported downstream of the variant. Therefore, this variant is classified as Likely pathogenic according to the recommendation of ACMG/AMP guideline.